The following is an entry in ClinVar:

NM_000094.4(COL7A1):c.7104+5G>A

Gene: COL7A1 (collagen type VII alpha 1 chain; minus strand). Cytogenetic location: 3p21.31.
Variant type: single nucleotide variant.
Coding change: c.7104+5G>A on transcript NM_000094.4 (MANE Select); 5 bases into the intron after coding-DNA position 7104, G replaced by A.
Molecular consequence: intron variant.
Genome position (GRCh38, 1-based): chr3:48,571,238, C>T on the plus strand (G>A on the coding strand, the complement: COL7A1 is on the minus strand). VCF-style: chr3-48571238-C-T. GRCh37 (hg19) VCF-style: chr3-48608671-C-T.
Identifiers: ClinVar variation 1048022 (VCV001048022.5), dbSNP rs2043898537, ClinGen allele CA1363080799.

ClinVar aggregate classification (germline): Pathogenic/Likely pathogenic. Review status: criteria provided, multiple submitters, no conflicts (2 of 4 stars). 3 submissions from 3 submitters: Pathogenic (2); Likely pathogenic (1). Last evaluated 2026-02-09.

Conditions:
Epidermolysis bullosa dystrophica. Also called: Dystrophic epidermolysis bullosa, Hallopeau-Siemens type (formerly); Dystrophic epidermolysis bullosa. Identifiers: Orphanet 303, MedGen C0079294, MONDO:0006543.
Recessive dystrophic epidermolysis bullosa (RDEB). Also called: severe generalized recessive dystrophic epidermolysis bullosa; EPIDERMOLYSIS BULLOSA DYSTROPHICA, GENERALIZED SEVERE, AUTOSOMAL RECESSIVE; DYSTROPHIC EPIDERMOLYSIS BULLOSA, AUTOSOMAL RECESSIVE; EPIDERMOLYSIS BULLOSA DYSTROPHICA, HALLOPEAU-SIEMENS TYPE; Epidermolysis Bullosa Distrophica Autosomal Recessive (RDEB); epidermolysis bullosa dystrophica, autosomal recessive. Identifiers: Orphanet 79408, Orphanet 79409, MedGen C0079474, MONDO:0009179, OMIM 226600.

Submissions (3):

Women's Health and Genetics/Laboratory Corporation of America, LabCorp
Classification: Likely pathogenic for Recessive dystrophic epidermolysis bullosa. Last evaluated: 2026-02-09. Review status: criteria provided, single submitter. Criteria: LabCorp Variant Classification Summary - May 2015. Collection method: clinical testing. Allele origin: germline.
Comment: Variant summary: COL7A1 c.7104+5G>A alters a nucleotide located close to a canonical splice site and therefore could affect mRNA splicing, leading to a significantly altered protein sequence. Several computational tools predict a significant impact on normal splicing: Five predict the variant weakens a 5' donor site. However, these predictions have yet to be confirmed by functional studies. The variant was absent in 251376 control chromosomes. c.7104+5G>A has been observed in individuals affected with Dystrophic Epidermolysis Bullosa, Recessive (Varki_2007, Escamez_2010). These data indicate that the variant is likely to be associated with disease. To our knowledge, no experimental evidence demonstrating an impact on protein function has been reported. The following publications have been ascertained in the context of this evaluation (PMID: 20184583, 16971478). ClinVar contains an entry for this variant (Variation ID: 1048022). Based on the evidence outlined above, the variant was classified as likely pathogenic.

Labcorp Genetics (formerly Invitae), Labcorp
Classification: Pathogenic. Last evaluated: 2023-08-29. Review status: criteria provided, single submitter. Criteria: Invitae Variant Classification Sherloc (09022015). Collection method: clinical testing. Allele origin: germline.
Comment: This sequence change falls in intron 92 of the COL7A1 gene. It does not directly change the encoded amino acid sequence of the COL7A1 protein. It affects a nucleotide within the consensus splice site. This variant is not present in population databases (gnomAD no frequency). This variant has been observed in individual(s) with autosomal recessive epidermolysis bullosa dystrophica (PMID: 16971478, 20184583). ClinVar contains an entry for this variant (Variation ID: 1048022). Variants that disrupt the consensus splice site are a relatively common cause of aberrant splicing (PMID: 17576681, 9536098). Algorithms developed to predict the effect of sequence changes on RNA splicing suggest that this variant may disrupt the consensus splice site. For these reasons, this variant has been classified as Pathogenic.

Biomedical Innovation Departament, CIEMAT
Classification: Pathogenic for Dystrophic epidermolysis bullosa. Last evaluated: 2009-07-03. Review status: criteria provided, single submitter. Criteria: ACMG Guidelines, 2015. Collection method: research. Allele origin: germline. Affected: yes. Observed: 1 variant allele.

Literature cited by the submitters: PubMed 16971478 (cited by Women's Health and Genetics/Laboratory Corporation of America, LabCorp and Labcorp Genetics (formerly Invitae), Labcorp); PubMed 20184583 (cited by 3 submitters); PubMed 17576681 (cited by Labcorp Genetics (formerly Invitae), Labcorp); PubMed 9536098 (cited by Labcorp Genetics (formerly Invitae), Labcorp).